The following is an entry in ClinVar:

NM_000435.3(NOTCH3):c.1478G>C (p.Cys493Ser)

Gene: NOTCH3 (notch receptor 3; minus strand). Cytogenetic location: 19p13.12.
Variant type: single nucleotide variant.
Coding change: c.1478G>C on transcript NM_000435.3 (MANE Select); coding-DNA position 1478, G replaced by C.
Protein change: p.Cys493Ser; replaces cysteine 493 with serine.
Molecular consequence: missense variant.
Genome position (GRCh38, 1-based): chr19:15,188,249, C>G on the plus strand (G>C on the coding strand, the complement: NOTCH3 is on the minus strand). VCF-style: chr19-15188249-C-G. GRCh37 (hg19) VCF-style: chr19-15299060-C-G.
Other names: short protein forms C493S.
Identifiers: ClinVar variation 1333211 (VCV001333211.2), dbSNP rs2145434878, ClinGen allele CA404526767.
Genomic context (GRCh38, chr19:15,188,249, plus strand): 5'-CCTTCCCAGACATGTCTTTTCGGGCTCCCTCTCCTGAGGTCCTCACCCGAGGGGCAGGTG[C>G]AGCTGAAGCCATTGACTCGGTCCTTGCAGACCCCACCGTTGACACAGGGGCTACTCTGAC-3'
Protein context (NP_000426.2, residues 483-503): VCKDRVNGFS[Cys493Ser]TCPSGFSGST

ClinVar aggregate classification (germline): Likely pathogenic (1 of 4 stars; one submission).

Conditions:
Cerebral arteriopathy, autosomal dominant, with subcortical infarcts and leukoencephalopathy, type 1 (CADASIL1). Also called: DEMENTIA, HEREDITARY MULTIINFARCT TYPE; CADASIL 1; CASIL; Cerebral arteriopathy with subcortical infarcts and leukoencephalopathy 1. Identifiers: Orphanet 136, MedGen C4551768, MONDO:0000914, OMIM 125310.

Submission:

3billion
Classification: Likely pathogenic for Cerebral arteriopathy, autosomal dominant, with subcortical infarcts and leukoencephalopathy, type 1. Last evaluated: 2024-02-23. Review status: criteria provided, single submitter. Criteria: ACMG Guidelines, 2015. Collection method: clinical testing. Allele origin: germline. Affected: yes.
Comment: The variant is not observed in the gnomAD v2.1.1 dataset. Predicted Consequence/Location: Missense changes are a common disease-causing mechanism. In silico tool predictions suggest damaging effect of the variant on gene or gene product [REVEL: 0.98 (>=0.6, sensitivity 0.68 and specificity 0.92); 3Cnet: 0.31 (>=0.6, sensitivity 0.72 and precision 0.9)]. Same nucleotide change resulting in same amino acid change has been previously reported to be associated with NOTCH3 related disorder (PMID: 32555735).A different missense change at the same codon (p.Cys493Arg) has been reported to be associated with NOTCH3 related disorder (PMID: 35641310). Therefore, this variant is classified as Likely pathogenic according to the recommendation of ACMG/AMP guideline.

Literature cited by the submitters: PubMed 35641310; PubMed 32555735.